The following is an entry in ClinVar:

NM_001136271.3(NKX2-6):c.315del (p.Arg106fs)

Gene: NKX2-6 (NK2 homeobox 6; minus strand). Cytogenetic location: 8p21.2.
Variant type: Deletion.
Coding change: c.315del on transcript NM_001136271.3 (MANE Select); coding-DNA position 315, one base deleted (C; older notation c.315delC).
Protein change: p.Arg106fs; shifts the reading frame from arginine 106.
Molecular consequence: frameshift variant.
Genome position (GRCh38, 1-based): chr8:23,703,042, G deleted on the plus strand (C on the coding strand, the reverse complement: NKX2-6 is on the minus strand); the first of 2 consecutive G bases (chr8:23,703,042-23,703,043); deleting either gives the same sequence. VCF-style (leftmost placement, unchanged base first): chr8-23703041-TG-T. GRCh37 (hg19) VCF-style: chr8-23560554-TG-T.
Other names: short protein forms R106fs.
Identifiers: ClinVar variation 2145317 (VCV002145317.4), dbSNP rs1351971750, ClinGen allele CA580596133.

ClinVar aggregate classification (germline): Uncertain significance (1 of 4 stars; one submission).

Conditions:
Conotruncal heart malformations (CTHM). Also called: Conotruncal heart malformations, variable. Identifiers: Orphanet 2445, Orphanet 3384, Orphanet 3426, MedGen C1857586, MONDO:0016581, OMIM 217095.

Submission:

Labcorp Genetics (formerly Invitae), Labcorp
Classification: Uncertain significance for Conotruncal heart malformations. Last evaluated: 2024-02-23. Review status: criteria provided, single submitter. Criteria: Invitae Variant Classification Sherloc (09022015). Collection method: clinical testing. Allele origin: germline.
Comment: This sequence change creates a premature translational stop signal (p.Arg106Glyfs*98) in the NKX2-6 gene. While this is not anticipated to result in nonsense mediated decay, it is expected to disrupt the last 196 amino acid(s) of the NKX2-6 protein. The frequency data for this variant in the population databases is considered unreliable, as metrics indicate poor data quality at this position in the gnomAD database. This variant has not been reported in the literature in individuals affected with NKX2-6-related conditions. ClinVar contains an entry for this variant (Variation ID: 2145317). In summary, the available evidence is currently insufficient to determine the role of this variant in disease. Therefore, it has been classified as a Variant of Uncertain Significance.